The following is an entry in ClinVar:

ClinVar aggregate classification (germline): Uncertain significance (1 of 4 stars; one submission).

Conditions:
CAPN10-related disorder. Also called: CAPN10-related disorders; CAPN10-related condition.

Allele frequency attached by ClinVar (database versions not stated): gnomAD 0.00001; ExAC 0.00002; gnomAD exomes 0.00002; TOPMed 0.00002.
gnomAD v4.1: 23 of 1,613,564 alleles (0.0014%); highest among the groups gnomAD compares: Non-Finnish European, 0.0018%; no homozygotes.

Submission:

PreventionGenetics, part of Exact Sciences
Classification: Uncertain significance for CAPN10-related condition. Last evaluated: 2023-08-16. Review status: criteria provided, single submitter. Criteria: ACMG Guidelines, 2015. Collection method: clinical testing. Allele origin: germline.
Comment: The CAPN10 c.1184G>A variant is predicted to result in the amino acid substitution p.Arg395Gln. This variant was reported as arising de novo in at least one individual with autism spectrum disorder (Sanders et al. 2012. PubMed ID: 22495306; Iossifov et al. 2014. PubMed ID: 25363768; Turner et al. 2019. PubMed ID: 31785789; Koire et al. 2021. PubMed ID: 34011629). This variant is reported in 0.0029% of alleles in individuals of Latino descent in gnomAD. At this time, the clinical significance of this variant is uncertain due to the absence of conclusive functional and genetic evidence.

NM_023083.4(CAPN10):c.1184G>A (p.Arg395Gln)

Gene: CAPN10 (calpain 10; plus strand). Cytogenetic location: 2q37.3.
Variant type: single nucleotide variant.
Coding change: c.1184G>A on transcript NM_023083.4 (MANE Select); coding-DNA position 1184, G replaced by A.
Protein change: p.Arg395Gln; replaces arginine 395 with glutamine.
Molecular consequence: missense variant.
Genome position (GRCh38, 1-based): chr2:240,595,210, G>A. VCF-style: chr2-240595210-G-A. GRCh37 (hg19) VCF-style: chr2-241534627-G-A.
Other names: c.1184G>A, p.Arg395Gln (NM_023085.4); short protein forms R395Q.
Identifiers: ClinVar variation 2628669 (VCV002628669.1), dbSNP rs780165677, ClinGen allele CA2205748.